The following is an entry in ClinVar:

NM_001291303.3(FAT4):c.7132C>T (p.Pro2378Ser)

Gene: FAT4 (FAT atypical cadherin 4; plus strand). Cytogenetic location: 4q28.1.
Variant type: single nucleotide variant.
Coding change: c.7132C>T on transcript NM_001291303.3 (MANE Select); coding-DNA position 7132, C replaced by T.
Protein change: p.Pro2378Ser; replaces proline 2378 with serine.
Molecular consequence: missense variant.
Genome position (GRCh38, 1-based): chr4:125,434,358, C>T. VCF-style: chr4-125434358-C-T. GRCh37 (hg19) VCF-style: chr4-126355513-C-T.
Other names: c.7132C>T, p.Pro2378Ser (NM_001291285.3, NM_024582.6); short protein forms P2378S.
Identifiers: ClinVar variation 1961475 (VCV001961475.2), dbSNP rs1725378808, ClinGen allele CA358135323.

ClinVar aggregate classification (germline): Uncertain significance (1 of 4 stars; one submission).

Allele frequency attached by ClinVar (database versions not stated): gnomAD exomes below 0.00001; gnomAD 0.00001.
gnomAD v4.1: 3 of 1,613,882 alleles (0.00019%); highest among the groups gnomAD compares: Admixed American, 0.0033%; no homozygotes.

Submission:

Labcorp Genetics (formerly Invitae), Labcorp
Classification: Uncertain significance. Last evaluated: 2022-09-27. Review status: criteria provided, single submitter. Criteria: Invitae Variant Classification Sherloc (09022015). Collection method: clinical testing. Allele origin: germline.
Comment: This sequence change replaces proline, which is neutral and non-polar, with serine, which is neutral and polar, at codon 2378 of the FAT4 protein (p.Pro2378Ser). This variant is not present in population databases (gnomAD no frequency). This variant has not been reported in the literature in individuals affected with FAT4-related conditions. Advanced modeling of protein sequence and biophysical properties (such as structural, functional, and spatial information, amino acid conservation, physicochemical variation, residue mobility, and thermodynamic stability) has been performed at Invitae for this missense variant, however the output from this modeling did not meet the statistical confidence thresholds required to predict the impact of this variant on FAT4 protein function. In summary, the available evidence is currently insufficient to determine the role of this variant in disease. Therefore, it has been classified as a Variant of Uncertain Significance.